The following is an entry in ClinVar:

NM_000257.4(MYH7):c.2769C>T (p.Asn923=)

Gene: MYH7 (myosin heavy chain 7; minus strand). Cytogenetic location: 14q11.2.
Variant type: single nucleotide variant.
Coding change: c.2769C>T on transcript NM_000257.4 (MANE Select); coding-DNA position 2769, C replaced by T.
Protein change: p.Asn923=; no amino-acid change (asparagine 923 retained).
Molecular consequence: synonymous variant.
Genome position (GRCh38, 1-based): chr14:23,424,060, G>A on the plus strand (C>T on the coding strand, the complement: MYH7 is on the minus strand). VCF-style: chr14-23424060-G-A. GRCh37 (hg19) VCF-style: chr14-23893269-G-A.
Other names: p.N923N:AAC>AAT; NM_000257.3(MYH7):c.2769C>T.
Identifiers: ClinVar variation 42931 (VCV000042931.79), dbSNP rs36211716, ClinGen allele CA013030.
Genomic context (GRCh38, chr14:23,424,060, plus strand): 5'-CAGCTTGCGCTTCTTGGCAGTGAGCTCAGCATTCATCTCCTCCTCATCCTCCAGCCTCTC[G>A]TTCATCTCCTTCACCTTGGCCTCCAGCTGAATCTTGTTTTTGATCAGCTGATCACAGCGC-3'
Protein context (NP_000248.2, residues 913-933): IQLEAKVKEM[Asn923=]ERLEDEEEMN

ClinVar aggregate classification (germline): Benign. Review status: reviewed by expert panel (3 of 4 stars). 20 submissions from 20 submitters: Benign (1). 19 of the submissions do not count toward it. Last evaluated 2025-11-11.

Conditions:
Cardiovascular phenotype. Identifiers: MedGen CN230736.
Cardiomyopathy (CMYO). Also called: Cardiomyopathies. Identifiers: Orphanet 167848, MedGen C0878544, MONDO:0004994, HP:0001638. Inheritance: Various modes of inheritance.
Hypertrophic cardiomyopathy. Also called: HYPERTROPHIC MYOCARDIOPATHY. Identifiers: Orphanet 217569, MedGen C0007194, MeSH D002312, MONDO:0005045, HP:0001639.

Allele frequency attached by ClinVar (database versions not stated): gnomAD 0.00060 and 0.00072; ExAC 0.00069; gnomAD exomes 0.00071 and 0.00076; ESP Exome Variant Server 0.00038; 1000 Genomes Project 30x 0.00047; TOPMed 0.00058; 1000 Genomes Project 0.00060.

Submissions (20):

ClinGen Cardiomyopathy Variant Curation Expert Panel
Classification: Benign for Hypertrophic cardiomyopathy. Last evaluated: 2025-11-11. Review status: reviewed by expert panel. Criteria: ClinGen CMP ACMG Specifications v1. Collection method: curation. Allele origin: germline. Inheritance: Autosomal dominant inheritance.
Comment: The filtering allele frequency of the c.2769C>T (p.Asn923=) variant in the MYH7 gene is 0.22% (47/16512) of South Asian chromosomes by the Exome Aggregation Consortium, which is a high enough frequency to be classified as benign based on thresholds defined by the ClinGen Inherited Cardiomyopathy Expert Panel (BA1; PMID:29300372).

CeGaT Center for Human Genetics Tuebingen
Classification: Likely benign. Last evaluated: 2026-05-01. Review status: criteria provided, single submitter. Criteria: CeGaT Center For Human Genetics Tuebingen Variant Classification Criteria Version 2. Collection method: clinical testing. Allele origin: germline. Affected: yes. Observed: 7 variant alleles. Not counted in ClinVar's aggregate classification.
Comment: MYH7: BP4, BP7

Labcorp Genetics (formerly Invitae), Labcorp
Classification: Benign for Hypertrophic cardiomyopathy. Last evaluated: 2026-02-01. Review status: criteria provided, single submitter. Criteria: Invitae Variant Classification Sherloc (09022015). Collection method: clinical testing. Allele origin: germline. Not counted in ClinVar's aggregate classification.

Mayo Clinic Laboratories, Mayo Clinic
Classification: Likely benign. Last evaluated: 2025-10-23. Review status: criteria provided, single submitter. Criteria: ACMG Guidelines, 2015. Collection method: clinical testing. Allele origin: germline. Observed: 7 variant alleles. Not counted in ClinVar's aggregate classification.
Comment: BS1, BP4, BP7

ARUP Laboratories, Molecular Genetics and Genomics, ARUP Laboratories
Classification: Benign. Last evaluated: 2025-05-05. Review status: criteria provided, single submitter. Criteria: ARUP Molecular Germline Variant Investigation Process 2024. Collection method: clinical testing. Allele origin: germline. Not counted in ClinVar's aggregate classification.

Blueprint Genetics
Classification: Likely benign. Last evaluated: 2024-10-08. Review status: criteria provided, single submitter. Criteria: ACMG Guidelines, 2015. Collection method: clinical testing. Allele origin: germline. Not counted in ClinVar's aggregate classification.

All of Us Research Program, National Institutes of Health
Classification: Benign for Cardiomyopathy. Last evaluated: 2024-02-05. Review status: criteria provided, single submitter. Criteria: ACMG Guidelines, 2015. Collection method: clinical testing. Allele origin: germline. Inheritance: Autosomal dominant inheritance. Observed: 148 variant alleles, 148 heterozygotes. Not counted in ClinVar's aggregate classification.
Comment: This study involves interpretation of variants in research participants for the purpose of population health screening. Participant phenotype was not available at the time of variant classification. Additional details can be found in publication PMID: 35346344, PMCID: PMC8962531

Women's Health and Genetics/Laboratory Corporation of America, LabCorp
Classification: Likely benign. Last evaluated: 2021-11-07. Review status: criteria provided, single submitter. Criteria: LabCorp Variant Classification Summary - May 2015. Collection method: clinical testing. Allele origin: germline. Not counted in ClinVar's aggregate classification.

Molecular Diagnostic Laboratory for Inherited Cardiovascular Disease, Montreal Heart Institute
Classification: Benign. Last evaluated: 2020-05-30. Review status: criteria provided, single submitter. Criteria: ACMG Guidelines, 2015. Collection method: clinical testing. Allele origin: germline. Affected: yes. Not counted in ClinVar's aggregate classification.

Color Diagnostics, LLC DBA Color Health
Classification: Benign for Cardiomyopathy. Last evaluated: 2018-04-07. Review status: criteria provided, single submitter. Criteria: ACMG Guidelines, 2015. Collection method: clinical testing. Allele origin: germline. Not counted in ClinVar's aggregate classification.

CHEO Genetics Diagnostic Laboratory, Children's Hospital of Eastern Ontario
Classification: Benign for Cardiomyopathy. Last evaluated: 2017-03-01. Review status: criteria provided, single submitter. Criteria: ACMG Guidelines, 2015. Collection method: clinical testing. Allele origin: germline. Study: Canadian Open Genetics Repository. Not counted in ClinVar's aggregate classification.

Eurofins Ntd Llc (ga)
Classification: Uncertain significance. Last evaluated: 2016-09-30. Review status: criteria provided, single submitter. Criteria: EGL Classification Definitions 2015. Collection method: clinical testing. Allele origin: germline. Observed: 1 variant allele, 1 heterozygote. Not counted in ClinVar's aggregate classification.

Ambry Genetics
Classification: Likely benign for Cardiovascular phenotype. Last evaluated: 2016-07-15. Review status: criteria provided, single submitter. Criteria: Ambry Variant Classification Scheme 2023. Collection method: clinical testing. Allele origin: germline. Not counted in ClinVar's aggregate classification.

Laboratory for Molecular Medicine, Mass General Brigham Personalized Medicine
Classification: Benign. Last evaluated: 2016-01-26. Review status: criteria provided, single submitter. Criteria: LMM Criteria. Collection method: clinical testing. Allele origin: germline. Observed: 10 variant alleles. Not counted in ClinVar's aggregate classification.
Comment: p.Asn923Asn in exon 23 of MYH7: This variant is not expected to have clinical s ignificance because it does not alter an amino acid residue and is not located w ithin the splice consensus sequence. It has been identified in 0.3% (47/16512) o f South Asian chromosomes by the Exome Aggregation Consortium (ExAC .; dbSNP rs36211716).

GeneDx
Classification: Benign. Last evaluated: 2013-05-29. Review status: criteria provided, single submitter. Criteria: GeneDx Variant Classification (06012015). Collection method: clinical testing. Allele origin: germline. Affected: yes. Not counted in ClinVar's aggregate classification.
Comment: This variant is considered likely benign or benign based on one or more of the following criteria: it is a conservative change, it occurs at a poorly conserved position in the protein, it is predicted to be benign by multiple in silico algorithms, and/or has population frequency not consistent with disease.

Clinical Genetics DNA and cytogenetics Diagnostics Lab, Erasmus MC, Erasmus Medical Center
Classification: Benign. Review status: no assertion criteria provided. Collection method: clinical testing. Allele origin: germline. Affected: yes. Study: VKGL Data-share Consensus. Not counted in ClinVar's aggregate classification.

Clinical Genetics, Academic Medical Center
Classification: Benign. Review status: no assertion criteria provided. Collection method: clinical testing. Allele origin: germline. Affected: yes. Study: VKGL Data-share Consensus. Not counted in ClinVar's aggregate classification.

Diagnostic Laboratory, Department of Genetics, University Medical Center Groningen
Classification: Benign. Review status: no assertion criteria provided. Collection method: clinical testing. Allele origin: germline. Affected: yes. Study: VKGL Data-share Consensus. Not counted in ClinVar's aggregate classification.

Genome Diagnostics Laboratory, University Medical Center Utrecht
Classification: Benign. Review status: no assertion criteria provided. Collection method: clinical testing. Allele origin: germline. Affected: yes. Study: VKGL Data-share Consensus. Not counted in ClinVar's aggregate classification.

Joint Genome Diagnostic Labs from Nijmegen and Maastricht, Radboudumc and MUMC+
Classification: Likely benign. Review status: no assertion criteria provided. Collection method: clinical testing. Allele origin: germline. Affected: yes. Study: VKGL Data-share Consensus. Not counted in ClinVar's aggregate classification.

Literature cited by the submitters: PubMed 29300372 (cited by ClinGen Cardiomyopathy Variant Curation Expert Panel); PubMed 35993536 (cited by Mayo Clinic Laboratories, Mayo Clinic).